The following is an entry in ClinVar:

NM_003059.3(SLC22A4):c.181G>A (p.Ala61Thr)

Gene: SLC22A4 (solute carrier family 22 member 4; plus strand). Cytogenetic location: 5q31.1.
Variant type: single nucleotide variant.
Coding change: c.181G>A on transcript NM_003059.3 (MANE Select); coding-DNA position 181, G replaced by A.
Protein change: p.Ala61Thr; replaces alanine 61 with threonine.
Molecular consequence: missense variant.
Genome position (GRCh38, 1-based): chr5:132,294,797, G>A. VCF-style: chr5-132294797-G-A. GRCh37 (hg19) VCF-style: chr5-131630490-G-A.
Other names: short protein forms A61T.
Identifiers: ClinVar variation 2377366 (VCV002377366.5), dbSNP rs189072785, ClinGen allele CA3403318.
Genomic context (GRCh38, chr5:132,294,797, plus strand): 5'-TTCCTGGCGGGGACCCCGGAGCACCGCTGTCGAGTGCCGGACGCCGCGAACCTGAGCAGC[G>A]CCTGGCGCAACAACAGTGTCCCGCTGCGGCTGCGGGACGGCCGCGAGGTGCCCCACAGCT-3'
Protein context (NP_003050.2, residues 51-71): RVPDAANLSS[Ala61Thr]WRNNSVPLRL

ClinVar aggregate classification (germline): Uncertain significance. Review status: criteria provided, multiple submitters, no conflicts (2 of 4 stars). 2 submissions from 2 submitters: Uncertain significance (2). Last evaluated 2025-09-23.

Allele frequency attached by ClinVar (database versions not stated): 1000 Genomes Project 0.00020; 1000 Genomes Project 30x 0.00031; gnomAD 0.00001; ExAC 0.00003; TOPMed 0.00005.

Submissions (2):

Labcorp Genetics (formerly Invitae), Labcorp
Classification: Uncertain significance. Last evaluated: 2025-09-23. Review status: criteria provided, single submitter. Criteria: Invitae Variant Classification Sherloc (09022015). Collection method: clinical testing. Allele origin: germline.
Comment: This sequence change replaces alanine, which is neutral and non-polar, with threonine, which is neutral and polar, at codon 61 of the SLC22A4 protein (p.Ala61Thr). This variant is present in population databases (rs189072785, gnomAD 0.01%). This variant has not been reported in the literature in individuals affected with SLC22A4-related conditions. ClinVar contains an entry for this variant (Variation ID: 2377366). Invitae Evidence Modeling of protein sequence and biophysical properties (such as structural, functional, and spatial information, amino acid conservation, physicochemical variation, residue mobility, and thermodynamic stability) indicates that this missense variant is not expected to disrupt SLC22A4 protein function with a negative predictive value of 80%. In summary, the available evidence is currently insufficient to determine the role of this variant in disease. Therefore, it has been classified as a Variant of Uncertain Significance.

Ambry Genetics
Classification: Uncertain significance. Last evaluated: 2021-06-22. Review status: criteria provided, single submitter. Criteria: Ambry Variant Classification Scheme 2023. Collection method: clinical testing. Allele origin: germline.